The following is an entry in ClinVar:

ClinVar aggregate classification (germline): Uncertain significance. Review status: criteria provided, multiple submitters, no conflicts (2 of 4 stars). 2 submissions from 2 submitters: Uncertain significance (2). Last evaluated 2022-09-22.

Submissions (2):

Labcorp Genetics (formerly Invitae), Labcorp
Classification: Uncertain significance. Last evaluated: 2022-09-22. Review status: criteria provided, single submitter. Criteria: Invitae Variant Classification Sherloc (09022015). Collection method: clinical testing. Allele origin: germline.
Comment: In summary, the available evidence is currently insufficient to determine the role of this variant in disease. Therefore, it has been classified as a Variant of Uncertain Significance. Algorithms developed to predict the effect of missense changes on protein structure and function are either unavailable or do not agree on the potential impact of this missense change (SIFT: "Not Available"; PolyPhen-2: "Probably Damaging"; Align-GVGD: "Not Available"). This variant has not been reported in the literature in individuals affected with FGFRL1-related conditions. This variant is present in population databases (no rsID available, gnomAD 0.04%). This sequence change replaces tryptophan, which is neutral and slightly polar, with glutamine, which is neutral and polar, at codon 377 of the FGFRL1 protein (p.Trp377Gln).

Revvity Omics, Revvity
Classification: Uncertain significance. Last evaluated: 2022-03-19. Review status: criteria provided, single submitter. Criteria: ACMG Guidelines, 2015. Collection method: clinical testing. Allele origin: germline.

NM_001004356.3(FGFRL1):c.1129_1130inv (p.Trp377Gln)

Gene: FGFRL1 (fibroblast growth factor receptor like 1; plus strand). Cytogenetic location: 4p16.3.
Variant type: Inversion.
Coding change: c.1129_1130inv on transcript NM_001004356.3 (MANE Select).
Protein change: p.Trp377Gln; replaces tryptophan 377 with glutamine.
Molecular consequence: missense variant.
Genome position: GRCh38 VCF-style: chr4-1024961-TG-CA. GRCh37 (hg19) VCF-style: chr4-1018749-TG-CA.
Other names: c.1129_1130inv, p.Trp377Gln (NM_001004358.1, NM_001370296.1, NM_021923.3); c.1129_1130delinsCA (NM_001004356.2); short protein forms W377Q.
Identifiers: ClinVar variation 1955048 (VCV001955048.7), ClinGen allele CA2580070669.